The following is an entry in ClinVar:

ClinVar aggregate classification (germline): Conflicting classifications of pathogenicity. Review status: criteria provided, conflicting classifications (1 of 4 stars). 8 submissions from 8 submitters: Uncertain significance (1); Benign (1); Likely benign (3). 3 of the submissions do not count toward it. Last evaluated 2026-03-01.

Conditions:
STING-associated vasculopathy with onset in infancy. Also called: Sting-associated vasculopathy, infantile-onset. Identifiers: Orphanet 425120, MedGen C4014722, MONDO:0014405, OMIM 615934.
STING1-related disorder. Also called: STING1-related condition.
Inborn genetic diseases. Identifiers: MedGen C0950123, MeSH D030342.
Autoinflammatory syndrome. Identifiers: Orphanet 93665, MedGen C3890737, MONDO:0019751.

Allele frequency attached by ClinVar (database versions not stated): gnomAD exomes 0.00014 and 0.00018; gnomAD 0.00016 and 0.00017; ExAC 0.00019; TOPMed 0.00025; ESP Exome Variant Server 0.00054.

Submissions (8):

CeGaT Center for Human Genetics Tuebingen
Classification: Likely benign. Last evaluated: 2026-03-01. Review status: criteria provided, single submitter. Criteria: CeGaT Center For Human Genetics Tuebingen Variant Classification Criteria Version 2. Collection method: clinical testing. Allele origin: germline. Affected: yes. Observed: 4 variant alleles.
Comment: STING1: BP4, BS2

Women's Health and Genetics/Laboratory Corporation of America, LabCorp
Classification: Likely benign. Last evaluated: 2026-02-12. Review status: criteria provided, single submitter. Criteria: LabCorp Variant Classification Summary - May 2015. Collection method: clinical testing. Allele origin: germline.
Comment: Variant summary: STING1 c.61G>A (p.Ala21Thr) results in a non-conservative amino acid change in the encoded protein sequence. Algorithms developed to predict the effect of missense changes on protein structure and function are either unavailable or do not agree on the potential impact of this missense change. The variant allele was found at a frequency of 0.00018 in 248980 control chromosomes in the gnomAD database, including 1 homozygotes. The observed variant frequency exceeds the estimated maximal expected allele frequency for disease-causing variants in STING1. To our knowledge, no occurrence of c.61G>A in individuals affected with STING1-related conditions and no experimental evidence demonstrating its impact on protein function have been reported. ClinVar contains an entry for this variant (Variation ID: 541983). Based on the evidence outlined above, the variant was classified as likely benign.

Labcorp Genetics (formerly Invitae), Labcorp
Classification: Likely benign for STING-associated vasculopathy with onset in infancy. Last evaluated: 2026-02-02. Review status: criteria provided, single submitter. Criteria: Invitae Variant Classification Sherloc (09022015). Collection method: clinical testing. Allele origin: germline.

Ambry Genetics
Classification: Uncertain significance for Inborn genetic diseases. Last evaluated: 2025-10-27. Review status: criteria provided, single submitter. Criteria: Ambry Variant Classification Scheme 2023. Collection method: clinical testing. Allele origin: germline.

Genome Diagnostics Laboratory, The Hospital for Sick Children
Classification: Benign for Autoinflammatory syndrome. Last evaluated: 2021-03-08. Review status: criteria provided, single submitter. Criteria: ACMG Guidelines, 2015. Collection method: clinical testing. Allele origin: germline. Affected: yes.

PreventionGenetics, part of Exact Sciences
Classification: Likely benign for STING1-related condition. Last evaluated: 2024-03-06. Review status: no assertion criteria provided. Collection method: clinical testing. Allele origin: germline. Not counted in ClinVar's aggregate classification.
Comment: This variant is classified as likely benign based on ACMG/AMP sequence variant interpretation guidelines (Richards et al. 2015 PMID: 25741868, with internal and published modifications).

Clinical Genetics DNA and cytogenetics Diagnostics Lab, Erasmus MC, Erasmus Medical Center
Classification: Likely benign. Review status: no assertion criteria provided. Collection method: clinical testing. Allele origin: germline. Affected: yes. Study: VKGL Data-share Consensus. Not counted in ClinVar's aggregate classification.

Genome Diagnostics Laboratory, University Medical Center Utrecht
Classification: Likely benign. Review status: no assertion criteria provided. Collection method: clinical testing. Allele origin: germline. Affected: yes. Study: VKGL Data-share Consensus. Not counted in ClinVar's aggregate classification.

NM_198282.4(STING1):c.61G>A (p.Ala21Thr)

Gene: STING1 (stimulator of interferon response cGAMP interactor 1; minus strand). Cytogenetic location: 5q31.2.
Variant type: single nucleotide variant.
Coding change: c.61G>A on transcript NM_198282.4 (MANE Select); coding-DNA position 61, G replaced by A.
Protein change: p.Ala21Thr; replaces alanine 21 with threonine.
Molecular consequence: missense variant. On other transcripts: intron variant (1).
Genome position (GRCh38, 1-based): chr5:139,481,644, C>T on the plus strand (G>A on the coding strand, the complement: STING1 is on the minus strand). VCF-style: chr5-139481644-C-T. GRCh37 (hg19) VCF-style: chr5-138861229-C-T.
Other names: c.61G>A, p.Ala21Thr (LRG_1308t1, NM_001301738.2); c.-130-302G>A (NM_001367258.1); c.61G>A (NM_198282.2); short protein forms A21T.
Identifiers: ClinVar variation 541983 (VCV000541983.58), dbSNP rs140011636, ClinGen allele CA3435506.